The following is an entry in ClinVar:

ClinVar aggregate classification (germline): Uncertain significance (1 of 4 stars; one submission).

Conditions:
Holoprosencephaly 5 (HPE5). Identifiers: Orphanet 2162, MedGen C1864827, MONDO:0012322, OMIM 609637.

Submission:

Labcorp Genetics (formerly Invitae), Labcorp
Classification: Uncertain significance for Holoprosencephaly 5. Last evaluated: 2025-11-19. Review status: criteria provided, single submitter. Criteria: Invitae Variant Classification Sherloc (09022015). Collection method: clinical testing. Allele origin: germline.
Comment: This sequence change replaces tyrosine, which is neutral and polar, with asparagine, which is neutral and polar, at codon 214 of the ZIC2 protein (p.Tyr214Asn). This variant is not present in population databases (gnomAD no frequency). This variant has not been reported in the literature in individuals affected with ZIC2-related conditions. Invitae Evidence Modeling of protein sequence and biophysical properties (such as structural, functional, and spatial information, amino acid conservation, physicochemical variation, residue mobility, and thermodynamic stability) indicates that this missense variant is not expected to disrupt ZIC2 protein function with a negative predictive value of 80%. In summary, the available evidence is currently insufficient to determine the role of this variant in disease. Therefore, it has been classified as a Variant of Uncertain Significance.

NM_007129.5(ZIC2):c.640T>A (p.Tyr214Asn)

Gene: ZIC2 (Zic family zinc finger 2; plus strand). Cytogenetic location: 13q32.3.
Variant type: single nucleotide variant.
Coding change: c.640T>A on transcript NM_007129.5 (MANE Select); coding-DNA position 640, T replaced by A.
Protein change: p.Tyr214Asn; replaces tyrosine 214 with asparagine.
Molecular consequence: missense variant.
Genome position (GRCh38, 1-based): chr13:99,982,704, T>A. VCF-style: chr13-99982704-T-A. GRCh37 (hg19) VCF-style: chr13-100634958-T-A.
Other names: short protein forms Y214N.
Identifiers: ClinVar variation 4744093 (VCV004744093.1).